The following is an entry in ClinVar:

ClinVar aggregate classification (germline): Uncertain significance (1 of 4 stars; one submission).

gnomAD v4.1: 3 of 1,613,224 alleles (0.00019%); highest among the groups gnomAD compares: Non-Finnish European, 0.00025%; no homozygotes.

Submission:

Labcorp Genetics (formerly Invitae), Labcorp
Classification: Uncertain significance. Last evaluated: 2025-12-08. Review status: criteria provided, single submitter. Criteria: Invitae Variant Classification Sherloc (09022015). Collection method: clinical testing. Allele origin: germline.
Comment: This sequence change replaces proline, which is neutral and non-polar, with leucine, which is neutral and non-polar, at codon 1330 of the ERBIN protein (p.Pro1330Leu). This variant is not present in population databases (gnomAD no frequency). This variant has not been reported in the literature in individuals affected with ERBIN-related conditions. An algorithm developed to predict the effect of missense changes on protein structure and function (PolyPhen-2) suggests that this variant is likely to be disruptive. Algorithms developed to predict the effect of sequence changes on RNA splicing suggest that this variant may disrupt the consensus splice site. In summary, the available evidence is currently insufficient to determine the role of this variant in disease. Therefore, it has been classified as a Variant of Uncertain Significance.

NM_001253697.2(ERBIN):c.3989C>T (p.Pro1330Leu)

Gene: ERBIN (erbb2 interacting protein; plus strand). Cytogenetic location: 5q12.3.
Variant type: single nucleotide variant.
Coding change: c.3989C>T on transcript NM_001253697.2 (MANE Select); coding-DNA position 3989, C replaced by T.
Protein change: p.Pro1330Leu; replaces proline 1330 with leucine.
Molecular consequence: missense variant.
Genome position (GRCh38, 1-based): chr5:66,076,341, C>T. VCF-style: chr5-66076341-C-T. GRCh37 (hg19) VCF-style: chr5-65372169-C-T.
Other names: c.3659C>T, p.Pro1220Leu (NM_001006600.3); c.3866C>T, p.Pro1289Leu (NM_001253698.2, NM_018695.4); c.4010C>T, p.Pro1337Leu (NM_001253699.2); c.3854C>T, p.Pro1285Leu (NM_001253701.2); short protein forms P1285L, P1220L, P1289L, P1330L, P1337L.
Identifiers: ClinVar variation 4750762 (VCV004750762.1).
Genomic context (GRCh38, chr5:66,076,341, plus strand): 5'-AATAGTAAGTTTCCTTTATTTTCATATTAACTCAGATTCGAGTGAGGGTTGAAAAGGATC[C>T]AGAACTTGGATTTAGCATATCAGGTGGTGTCGGGGGTAGAGGAAACCCATTCAGACCTGA-3'
Protein context (NP_001240626.1, residues 1320-1340): QEIRVRVEKD[Pro1330Leu]ELGFSISGGV